The following is an entry in ClinVar:

NM_001040108.2(MLH3):c.2193T>C (p.Asp731=)

Gene: MLH3 (mutL homolog 3; minus strand). Cytogenetic location: 14q24.3.
Variant type: single nucleotide variant.
Coding change: c.2193T>C on transcript NM_001040108.2 (MANE Select); coding-DNA position 2193, T replaced by C.
Protein change: p.Asp731=; no amino-acid change (aspartic acid 731 retained).
Molecular consequence: synonymous variant.
Genome position (GRCh38, 1-based): chr14:75,047,463, A>G on the plus strand (T>C on the coding strand, the complement: MLH3 is on the minus strand). VCF-style: chr14-75047463-A-G. GRCh37 (hg19) VCF-style: chr14-75514166-A-G.
Other names: c.2193T>C, p.Asp731= (NM_014381.3).
Identifiers: ClinVar variation 749431 (VCV000749431.11), dbSNP rs780355853, ClinGen allele CA7275739.

ClinVar aggregate classification (germline): Benign/Likely benign. Review status: criteria provided, multiple submitters, no conflicts (2 of 4 stars). 3 submissions from 3 submitters: Benign (1); Likely benign (2). Last evaluated 2026-09-18.

Conditions:
Colorectal cancer, hereditary nonpolyposis, type 7. Identifiers: Orphanet 144, MedGen C1858380, MONDO:0013725, OMIM 614385.

Allele frequency attached by ClinVar (database versions not stated): gnomAD 0.00001; TOPMed below 0.00001; gnomAD exomes below 0.00001; ExAC 0.00001.

Submissions (3):

Myriad Genetics, Inc.
Classification: Benign for Colorectal cancer, hereditary nonpolyposis, type 7. Last evaluated: 2026-09-18. Review status: criteria provided, single submitter. Criteria: Myriad Autosomal Dominant, Autosomal Recessive and X-Linked Classification Criteria (2023). Collection method: clinical testing. Allele origin: unknown.
Comment: This variant is considered benign. This variant is a silent/synonymous amino acid change and it is not expected to impact splicing.

Labcorp Genetics (formerly Invitae), Labcorp
Classification: Likely benign for Colorectal cancer, hereditary nonpolyposis, type 7. Last evaluated: 2024-09-23. Review status: criteria provided, single submitter. Criteria: Invitae Variant Classification Sherloc (09022015). Collection method: clinical testing. Allele origin: germline.

Ambry Genetics
Classification: Likely benign. Last evaluated: 2019-06-29. Review status: criteria provided, single submitter. Criteria: Ambry Variant Classification Scheme 2023. Collection method: clinical testing. Allele origin: germline.